The following is an entry in ClinVar:

ClinVar aggregate classification (germline): Uncertain significance (1 of 4 stars; one submission).

Conditions:
Hereditary cancer-predisposing syndrome. Also called: Hereditary neoplastic syndrome; Tumor predisposition; Hereditary Cancer Syndrome; Neoplastic Syndromes, Hereditary. Identifiers: Orphanet 140162, MedGen C0027672, MeSH D009386, MONDO:0015356.

Submission:

Ambry Genetics
Classification: Uncertain significance for Hereditary cancer-predisposing syndrome. Last evaluated: 2023-07-18. Review status: criteria provided, single submitter. Criteria: Ambry Variant Classification Scheme 2023. Collection method: clinical testing. Allele origin: germline.
Comment: The c.2667T>C variant (also known as p.D889D), located in coding exon 13 of the BLM gene, results from a T to C substitution at nucleotide position 2667. This nucleotide substitution does not change the aspartic acid at codon 889. This nucleotide position is poorly conserved in available vertebrate species. In silico splice site analysis for this alteration is inconclusive. Since supporting evidence is limited at this time, the clinical significance of this alteration remains unclear.

NM_000057.4(BLM):c.2667T>C (p.Asp889=)

Gene: BLM (BLM RecQ like helicase; plus strand). Cytogenetic location: 15q26.1.
Variant type: single nucleotide variant.
Coding change: c.2667T>C on transcript NM_000057.4 (MANE Select); coding-DNA position 2667, T replaced by C.
Protein change: p.Asp889=; no amino-acid change (aspartic acid 889 retained).
Molecular consequence: synonymous variant.
Genome position (GRCh38, 1-based): chr15:90,784,925, T>C. VCF-style: chr15-90784925-T-C. GRCh37 (hg19) VCF-style: chr15-91328155-T-C.
Other names: c.2667T>C, p.Asp889= (NM_001287246.2, NM_001287247.2); c.1542T>C, p.Asp514= (NM_001287248.2).
Identifiers: ClinVar variation 2586873 (VCV002586873.2), dbSNP rs2505501208, ClinGen allele CA492162426.